The following is an entry in ClinVar:

ClinVar aggregate classification (germline): Pathogenic/Likely pathogenic. Review status: criteria provided, multiple submitters, no conflicts (2 of 4 stars). 4 submissions from 4 submitters: Pathogenic (2); Likely pathogenic (2). Last evaluated 2024-05-23.

Conditions:
Glycogen storage disease, type V (GSD5). Also called: MCARDLE DISEASE; MUSCLE GLYCOGEN PHOSPHORYLASE DEFICIENCY; MYOPHOSPHORYLASE DEFICIENCY; PYGM DEFICIENCY; McArdle type glycogen storage disease. Identifiers: Orphanet 368, MedGen C0017924, MONDO:0009293, OMIM 232600.

Submissions (4):

Natera, Inc.
Classification: Likely pathogenic for Glycogen storage disease V. Last evaluated: 2024-05-23. Review status: criteria provided, single submitter. Criteria: Natera Variant Classification Schema (03/2026). Collection method: clinical testing. Allele origin: germline.
Comment: The c.509_511delAGA variant in PYGM is an in-frame deletion predicted to remove lysine at amino acid 170 while preserving the reading frame. This variant is rare in the general population with a frequency below the threshold expected for the associated phenotype(s). This variant has been observed in one or more individuals affected with the associated recessive disease, as either homozygous or compound heterozygous with a second variant (PMID: 17324573, 28967462). Additionally, this variant has been observed to segregate in affected family members (PMID: 28967462). This variant results in a change to the protein length while preserving reading frame, which may disrupt normal protein structure or function. Given the available evidence, this variant is classified as Likely Pathogenic.

Baylor Genetics
Classification: Likely pathogenic for Glycogen storage disease, type V. Last evaluated: 2023-06-20. Review status: criteria provided, single submitter. Criteria: ACMG Guidelines, 2015. Collection method: clinical testing. Allele origin: unknown.

Women's Health and Genetics/Laboratory Corporation of America, LabCorp
Classification: Pathogenic for Glycogen storage disease, type V. Last evaluated: 2022-04-20. Review status: criteria provided, single submitter. Criteria: LabCorp Variant Classification Summary - May 2015. Collection method: clinical testing. Allele origin: germline.
Comment: Variant summary: PYGM c.509_511delAGA (p.Lys170del) results in an in-frame deletion that is predicted to remove one amino acid from the encoded protein. The variant allele was found at a frequency of 1.2e-05 in 251468 control chromosomes. c.509_511delAGA has been reported in the literature as a homozygous genotype in at-least three individuals from two families affected with Glycogen Storage Disease, Type V (example, Aquaron_2007, Inal-Gultekin_2017). One of these individuals was among a cohort reported to have a total lack of myophosphorylase with histological and biochemical analysis demonstrating excess glycogen, but the data are presented in aggregate and not available for primary evidence curation (Aquaron_2007). These data indicate that the variant is very likely to be associated with disease. To our knowledge, no experimental evidence demonstrating an impact on protein function has been reported. One clinical diagnostic laboratory has submitted clinical-significance assessments for this variant to ClinVar after 2014 without evidence for independent evaluation and classified the variant as pathogenic. Based on the evidence outlined above, the variant was classified as pathogenic.

Labcorp Genetics (formerly Invitae), Labcorp
Classification: Pathogenic for Glycogen storage disease, type V. Last evaluated: 2021-09-27. Review status: criteria provided, single submitter. Criteria: Invitae Variant Classification Sherloc (09022015). Collection method: clinical testing. Allele origin: germline.
Comment: For these reasons, this variant has been classified as Pathogenic. This variant is also known as p.delK170. This variant has been observed in individual(s) with McArdle disease (PMID: 17324573, 28967462). The frequency data for this variant in the population databases is considered unreliable, as metrics indicate poor data quality at this position in the ExAC database. This variant, c.509_511del, results in the deletion of 1 amino acid(s) of the PYGM protein (p.Lys170del), but otherwise preserves the integrity of the reading frame.

Literature cited by the submitters: PubMed 17324573 (cited by 3 submitters); PubMed 28967462 (cited by 3 submitters).

NM_005609.4(PYGM):c.506AGA[1] (p.Lys170del)

Gene: PYGM (glycogen phosphorylase, muscle associated; minus strand). Cytogenetic location: 11q13.1.
Variant type: Microsatellite.
Coding change: c.506AGA[1] on transcript NM_005609.4 (MANE Select); one copy of the 3-base unit AGA starting at c.506; the reference has two copies in a row; one copy, 3 bases deleted; also written c.509_511del.
Protein change: p.Lys170del; deletes lysine 170.
Molecular consequence: inframe deletion.
Genome position (GRCh38, 1-based): chr11:64,758,263-64,758,265, TCT deleted on the plus strand (AGA on the coding strand, the reverse complement: PYGM is on the minus strand); deleting any 3 consecutive bases within chr11:64,758,263-64,758,268 gives the same sequence; the position shown is the placement nearest the transcript's 3' end. VCF-style (leftmost placement, unchanged base first): chr11-64758262-ATCT-A. GRCh37 (hg19) VCF-style: chr11-64525734-ATCT-A.
Other names: c.509_511del (NM_005609.4); short protein forms K170del.
Identifiers: ClinVar variation 1440473 (VCV001440473.9), dbSNP rs764823441, ClinGen allele CA6080236.